The following is an entry in ClinVar:

NC_000006.11:g.(?_65611996)_(65655817_?)dup

Gene: EYS (eyes shut homolog; minus strand). Cytogenetic location: 6q12.
Variant type: Duplication.
Identifiers: ClinVar variation 2423855 (VCV002423855.4).

ClinVar aggregate classification (germline): Likely pathogenic (1 of 4 stars; one submission).

Submission:

Labcorp Genetics (formerly Invitae), Labcorp
Classification: Likely pathogenic. Last evaluated: 2022-01-05. Review status: criteria provided, single submitter. Criteria: Invitae Variant Classification Sherloc (09022015). Collection method: clinical testing. Allele origin: germline.
Comment: In summary, the currently available evidence indicates that the variant is pathogenic, but additional data are needed to prove that conclusively. Therefore, this variant has been classified as Likely Pathogenic. This variant has not been reported in the literature in individuals affected with EYS-related conditions. This variant results in a copy number gain of the genomic region encompassing exon(s) 15-18 of the EYS gene. While the exact position of this variant cannot be determined from the data, sub-genic copy number gains are generally in tandem (PMID: 25640679). This variant is predicted to be out-of-frame, and may result in an absent or disrupted protein product. Loss-of-function variants in EYS are known to be pathogenic (PMID: 18836446, 20333770).

Literature cited by the submitters: PubMed 25640679; PubMed 18836446; PubMed 20333770.